The following is an entry in ClinVar:

ClinVar aggregate classification (germline): Uncertain significance (1 of 4 stars; one submission).

gnomAD v4.1: 2 of 1,614,026 alleles (0.00012%); highest among the groups gnomAD compares: Admixed American, 0.0017%; no homozygotes.

Submission:

Labcorp Genetics (formerly Invitae), Labcorp
Classification: Uncertain significance. Last evaluated: 2022-08-05. Review status: criteria provided, single submitter. Criteria: Invitae Variant Classification Sherloc (09022015). Collection method: clinical testing. Allele origin: germline.
Comment: This sequence change replaces serine, which is neutral and polar, with phenylalanine, which is neutral and non-polar, at codon 2057 of the LRP2 protein (p.Ser2057Phe). This variant is not present in population databases (gnomAD no frequency). This variant has not been reported in the literature in individuals affected with LRP2-related conditions. Advanced modeling of protein sequence and biophysical properties (such as structural, functional, and spatial information, amino acid conservation, physicochemical variation, residue mobility, and thermodynamic stability) performed at Invitae indicates that this missense variant is expected to disrupt LRP2 protein function. In summary, the available evidence is currently insufficient to determine the role of this variant in disease. Therefore, it has been classified as a Variant of Uncertain Significance.

NM_004525.3(LRP2):c.6170C>T (p.Ser2057Phe)

Gene: LRP2 (LDL receptor related protein 2; minus strand). Cytogenetic location: 2q31.1.
Variant type: single nucleotide variant.
Coding change: c.6170C>T on transcript NM_004525.3 (MANE Select); coding-DNA position 6170, C replaced by T.
Protein change: p.Ser2057Phe; replaces serine 2057 with phenylalanine.
Molecular consequence: missense variant.
Genome position (GRCh38, 1-based): chr2:169,212,078, G>A on the plus strand (C>T on the coding strand, the complement: LRP2 is on the minus strand). VCF-style: chr2-169212078-G-A. GRCh37 (hg19) VCF-style: chr2-170068588-G-A.
Other names: short protein forms S2057F.
Identifiers: ClinVar variation 1976263 (VCV001976263.4), dbSNP rs1023230634, ClinGen allele CA59899855.